The following is an entry in ClinVar:

NM_001267550.2(TTN):c.37029A>G (p.Pro12343=)

Gene: TTN (titin; minus strand). Cytogenetic location: 2q31.2.
Variant type: single nucleotide variant.
Coding change: c.37029A>G on transcript NM_001267550.2 (MANE Select); coding-DNA position 37029, A replaced by G.
Protein change: p.Pro12343=; no amino-acid change (proline 12343 retained).
Molecular consequence: synonymous variant. On other transcripts: intron variant (5).
Genome position (GRCh38, 1-based): chr2:178,662,348, T>C on the plus strand (A>G on the coding strand, the complement: TTN is on the minus strand). VCF-style: chr2-178662348-T-C. GRCh37 (hg19) VCF-style: chr2-179527075-T-C.
Other names: c.13283-20031A>G (NM_003319.4); c.13859-20031A>G (NM_133437.4); c.13658-20031A>G (NM_133432.3); c.31573+618A>G (NM_133378.4); c.34354+618A>G (NM_001256850.1).
Identifiers: ClinVar variation 404763 (VCV000404763.37), dbSNP rs200163049, ClinGen allele CA16610440.

ClinVar aggregate classification (germline): Conflicting classifications of pathogenicity. Review status: criteria provided, conflicting classifications (1 of 4 stars). 6 submissions from 6 submitters: Uncertain significance (1); Likely benign (2). 3 of the submissions do not count toward it. Last evaluated 2026-09-01.

Conditions:
Autosomal recessive limb-girdle muscular dystrophy type 2J (LGMDR10). Also called: Limb-girdle muscular dystrophy, type 2J; MUSCULAR DYSTROPHY, LIMB-GIRDLE, AUTOSOMAL RECESSIVE 10. Identifiers: Orphanet 140922, MedGen C1837342, MONDO:0012127, OMIM 608807.
Dilated cardiomyopathy 1G (CMD1G). Identifiers: Orphanet 154, MedGen C1858763, MONDO:0011400, OMIM 604145.

Allele frequency attached by ClinVar (database versions not stated): gnomAD 0.00005.

Submissions (6):

CeGaT Center for Human Genetics Tuebingen
Classification: Likely benign. Last evaluated: 2026-09-01. Review status: criteria provided, single submitter. Criteria: CeGaT Center For Human Genetics Tuebingen Variant Classification Criteria Version 2. Collection method: clinical testing. Allele origin: germline. Affected: yes. Observed: 10 variant alleles.
Comment: TTN: BP4, BP7

Blueprint Genetics
Classification: Likely benign. Last evaluated: 2024-11-21. Review status: criteria provided, single submitter. Criteria: ACMG Guidelines, 2015. Collection method: clinical testing. Allele origin: germline.

Labcorp Genetics (formerly Invitae), Labcorp
Classification: Uncertain significance for Dilated cardiomyopathy 1G; Autosomal recessive limb-girdle muscular dystrophy type 2J. Last evaluated: 2017-12-21. Review status: criteria provided, single submitter. Criteria: Invitae Variant Classification Sherloc (09022015). Collection method: clinical testing. Allele origin: germline.

Clinical Genetics DNA and cytogenetics Diagnostics Lab, Erasmus MC, Erasmus Medical Center
Classification: Likely benign. Review status: no assertion criteria provided. Collection method: clinical testing. Allele origin: germline. Affected: yes. Study: VKGL Data-share Consensus. Not counted in ClinVar's aggregate classification.

Diagnostic Laboratory, Department of Genetics, University Medical Center Groningen
Classification: Likely benign. Review status: no assertion criteria provided. Collection method: clinical testing. Allele origin: germline. Affected: yes. Study: VKGL Data-share Consensus. Not counted in ClinVar's aggregate classification.

Genome Diagnostics Laboratory, University Medical Center Utrecht
Classification: Likely benign. Review status: no assertion criteria provided. Collection method: clinical testing. Allele origin: germline. Affected: yes. Study: VKGL Data-share Consensus. Not counted in ClinVar's aggregate classification.